The following is an entry in ClinVar:

NM_000497.4(CYP11B1):c.1345del (p.Gln449fs)

Genes: CYP11B1 (cytochrome P450 family 11 subfamily B member 1; minus strand), LOC106799833 (CYP11B1 recombination region; plus strand). Cytogenetic location: 8q24.3.
Variant type: Deletion.
Coding change: c.1345del on transcript NM_000497.4 (MANE Select); coding-DNA position 1345, one base deleted (C; older notation c.1345delC).
Protein change: p.Gln449fs; shifts the reading frame from glutamine 449.
Molecular consequence: frameshift variant. On other transcripts: intron variant (1).
Genome position (GRCh38, 1-based): chr8:142,875,010, G deleted on the plus strand (C on the coding strand, the reverse complement: CYP11B1 is on the minus strand); the first of 2 consecutive G bases (chr8:142,875,010-142,875,011); deleting either gives the same sequence. VCF-style (leftmost placement, unchanged base first): chr8-142875009-TG-T. GRCh37 (hg19) VCF-style: chr8-143956425-TG-T.
Other names: c.1200+224del (NM_001026213.1); short protein forms Q449fs.
Identifiers: ClinVar variation 3684024 (VCV003684024.3).

ClinVar aggregate classification (germline): Pathogenic/Likely pathogenic. Review status: criteria provided, multiple submitters, no conflicts (2 of 4 stars). 2 submissions from 2 submitters: Pathogenic (1); Likely pathogenic (1). Last evaluated 2025-05-15.

Conditions:
Deficiency of steroid 11-beta-monooxygenase (CYP11B1). Also called: ADRENAL HYPERPLASIA IV; Congenital adrenal hyperplasia due to 11-beta-hydroxylase deficiency; P450C11B1 DEFICIENCY; STEROID 11-BETA-HYDROXYLASE DEFICIENCY; ADRENAL HYPERPLASIA, CONGENITAL, DUE TO STEROID 11-BETA-HYDROXYLASE DEFICIENCY; 11-BETA-HYDROXYLASE DEFICIENCY. Identifiers: Orphanet 90795, MedGen C0268292, MONDO:0008729, OMIM 202010. Disease mechanism: loss of function.

Submissions (2):

Myriad Genetics, Inc.
Classification: Likely pathogenic for Deficiency of steroid 11-beta-monooxygenase. Last evaluated: 2025-05-15. Review status: criteria provided, single submitter. Criteria: Myriad Autosomal Dominant, Autosomal Recessive and X-Linked Classification Criteria (2023). Collection method: clinical testing. Allele origin: unknown.
Comment: NM_000497.3(CYP11B1):c.1345delC(Q449Sfs*20) is a frameshift variant classified as likely pathogenic in the context of congenital adrenal hyperplasia, CYP11B1-related. Q449Sfs*20 has not been observed in cases with relevant disease. Relevant functional assessments of this variant are not available in the literature. Internal structural analysis of the variant is supportive of pathogenicity. Q449Sfs*20 has not been observed in referenced population frequency databases. In summary, NM_000497.3(CYP11B1):c.1345delC(Q449Sfs*20) is a frameshift variant in a gene where loss of function is a known mechanism of disease and is predicted to disrupt protein function. Please note: this variant was assessed in the context of healthy population screening.

Labcorp Genetics (formerly Invitae), Labcorp
Classification: Pathogenic. Last evaluated: 2024-03-25. Review status: criteria provided, single submitter. Criteria: Invitae Variant Classification Sherloc (09022015). Collection method: clinical testing. Allele origin: germline.
Comment: This sequence change creates a premature translational stop signal (p.Gln449Serfs*20) in the CYP11B1 gene. While this is not anticipated to result in nonsense mediated decay, it is expected to disrupt the last 55 amino acid(s) of the CYP11B1 protein. This variant is not present in population databases (gnomAD no frequency). This variant has not been reported in the literature in individuals affected with CYP11B1-related conditions. This variant disrupts a region of the CYP11B1 protein in which other variant(s) (p.Leu489Ser) have been determined to be pathogenic (PMID: 17124386, 33830237). This suggests that this is a clinically significant region of the protein, and that variants that disrupt it are likely to be disease-causing. For these reasons, this variant has been classified as Pathogenic.

Literature cited by the submitters: PubMed 17124386 (cited by Labcorp Genetics (formerly Invitae), Labcorp); PubMed 33830237 (cited by Labcorp Genetics (formerly Invitae), Labcorp).